The following is an entry in ClinVar:

NM_001286.5(CLCN6):c.656G>A (p.Ser219Asn)

Gene: CLCN6 (chloride voltage-gated channel 6; plus strand). Cytogenetic location: 1p36.22.
Variant type: single nucleotide variant.
Coding change: c.656G>A on transcript NM_001286.5 (MANE Select); coding-DNA position 656, G replaced by A.
Protein change: p.Ser219Asn; replaces serine 219 with asparagine.
Molecular consequence: missense variant. On other transcripts: non-coding transcript variant (1).
Genome position (GRCh38, 1-based): chr1:11,826,163, G>A. VCF-style: chr1-11826163-G-A. GRCh37 (hg19) VCF-style: chr1-11886220-G-A.
Other names: c.590G>A, p.Ser197Asn (NM_001256959.2); short protein forms S197N, S219N.
Identifiers: ClinVar variation 3671205 (VCV003671205.2).

ClinVar aggregate classification (germline): Uncertain significance (1 of 4 stars; one submission).

gnomAD v4.1: 13 of 1,613,244 alleles (0.00081%); highest among the groups gnomAD compares: Non-Finnish European, 0.00085%; no homozygotes.

Submission:

Labcorp Genetics (formerly Invitae), Labcorp
Classification: Uncertain significance. Last evaluated: 2024-07-20. Review status: criteria provided, single submitter. Criteria: Invitae Variant Classification Sherloc (09022015). Collection method: clinical testing. Allele origin: germline.
Comment: This sequence change replaces serine, which is neutral and polar, with asparagine, which is neutral and polar, at codon 219 of the CLCN6 protein (p.Ser219Asn). This variant is present in population databases (rs755598152, gnomAD 0.005%). This variant has not been reported in the literature in individuals affected with CLCN6-related conditions. An algorithm developed to predict the effect of missense changes on protein structure and function (PolyPhen-2) suggests that this variant is likely to be disruptive. In summary, the available evidence is currently insufficient to determine the role of this variant in disease. Therefore, it has been classified as a Variant of Uncertain Significance.